The following is an entry in ClinVar:

NM_004990.4(MARS1):c.2700_2703del (p.Ter901ArgextTer?)

Gene: MARS1 (methionyl-tRNA synthetase 1; plus strand). Cytogenetic location: 12q13.3.
Variant type: Deletion.
Coding change: c.2700_2703del on transcript NM_004990.4 (MANE Select); coding-DNA positions 2700 to 2703, 4 bases deleted (GTAA; older notation c.2700_2703delGTAA).
Protein change: p.Ter901ArgextTer?.
Molecular consequence: frameshift variant.
Genome position (GRCh38, 1-based): chr12:57,516,578-57,516,581, GTAA deleted; deleting any 4 consecutive bases within chr12:57,516,576-57,516,581 gives the same sequence; the c. name uses the placement nearest the transcript's 3' end. VCF-style (leftmost placement, unchanged base first): chr12-57516575-AAAGT-A. GRCh37 (hg19) VCF-style: chr12-57910358-AAAGT-A.
Identifiers: ClinVar variation 1799574 (VCV001799574.2), dbSNP rs1176823331, ClinGen allele CA605705366.

ClinVar aggregate classification (germline): Uncertain significance (1 of 4 stars; one submission).

Submission:

Ambry Genetics
Classification: Uncertain significance. Last evaluated: 2019-12-05. Review status: criteria provided, single submitter. Criteria: Ambry Variant Classification Scheme 2023. Collection method: clinical testing. Allele origin: germline.
Comment: The c.2700_2703delGTAA variant, located in coding exon 21 of the MARS gene, results from a deletion of 4 nucleotides at nucleotide positions 2700 to 2703, causing a translational frameshift with a predicted alternate stop codon (p.*901Rext*11). The stop at codon 901 is replaced by arginine (R), resulting in an elongation of the protein by 11 amino acids. Frameshifts are typically deleterious in nature, however, this frameshift occurs at the 3' terminus of MARS, is not expected to trigger nonsense-mediated mRNA decay, and results in the elongation of the protein by 11 amino acids. The exact functional impact of these inserted amino acids is unknown at this time. Since supporting evidence is limited at this time, the clinical significance of this alteration remains unclear.